The following is an entry in ClinVar:

ClinVar aggregate classification (germline): Pathogenic/Likely pathogenic. Review status: criteria provided, multiple submitters, no conflicts (2 of 4 stars). 4 submissions from 4 submitters: Pathogenic (2); Likely pathogenic (1). 1 of the submissions does not count toward it. Last evaluated 2022-07-22.

Conditions:
Tubulinopathy. Also called: Tubulinopathies. Identifiers: MedGen CN850169, MONDO:0100153.
Lissencephaly due to TUBA1A mutation (CDCBM16). Also called: CORTICAL DYSPLASIA, COMPLEX, WITH OTHER BRAIN MALFORMATIONS 16; Lissencephaly 3. Identifiers: Orphanet 171680, MedGen C4305153, MONDO:0012703, OMIM 611603.

Submissions (4):

Institute of Human Genetics, University of Leipzig Medical Center
Classification: Pathogenic for Lissencephaly due to TUBA1A mutation. Last evaluated: 2022-07-22. Review status: criteria provided, single submitter. Criteria: ACMG Guidelines, 2015. Collection method: clinical testing. Allele origin: de novo. Affected: yes.
Comment: This variant was identified as de novo mosaic (maternity and paternity confirmed)._x000D_ Criteria applied: PS2, PS4_MOD, PM1, PM2_SUP, PP3

CeGaT Center for Human Genetics Tuebingen
Classification: Likely pathogenic. Last evaluated: 2021-12-01. Review status: criteria provided, single submitter. Criteria: CeGaT Center For Human Genetics Tuebingen Variant Classification Criteria Version 2. Collection method: clinical testing. Allele origin: germline. Affected: yes. Observed: 1 variant allele.

Institute of Human Genetics, FAU Erlangen, Friedrich-Alexander-Universität Erlangen-Nürnberg
Classification: Pathogenic for Tubulinopathies. Last evaluated: 2018-07-01. Review status: criteria provided, single submitter. Criteria: ACMG Guidelines, 2015. Collection method: literature only. Allele origin: de novo. Affected: yes. Observed: 1 variant allele.
Comment: The c.1256C>T, p.(Ser419Leu) variant has been reported as a variant of de novo origin. This variant and associated phenotype was previously reported by Poirier et al. Hum Mutat, 2007 PMID: 17584854. Pachygyria (HP:0001302); Cerebellar vermis hypoplasia (HP:0001320); no Abnormality of brainstem morphology (-HP:0002363); Dysgenesis of the hippocampus (HP:0025101); Dilation of lateral ventricles (HP:0006956); Gray matter heterotopia (HP:0002281); no Congenital microcephaly (-HP:0011451); no Microcephaly (-HP:0000252); Spasticity (HP:0001257); Generalized tonic-clonic seizures (HP:0002069)

OMIM
Classification: Pathogenic for CORTICAL DYSPLASIA, COMPLEX, WITH OTHER BRAIN MALFORMATIONS 16. Last evaluated: 2010-09-15. Review status: no assertion criteria provided. Collection method: literature only. Allele origin: germline. Not counted in ClinVar's aggregate classification.

Literature cited by the submitters: PubMed 30744660 (cited by Institute of Human Genetics, FAU Erlangen, Friedrich-Alexander-Universität Erlangen-Nürnberg); DOI 10.1101/427948 (cited by Institute of Human Genetics, FAU Erlangen, Friedrich-Alexander-Universität Erlangen-Nürnberg); PubMed 17584854 (cited by OMIM); PubMed 20603323 (cited by OMIM).

NM_006009.4(TUBA1A):c.1256C>T (p.Ser419Leu)

Gene: TUBA1A (tubulin alpha 1a; minus strand). Cytogenetic location: 12q13.12.
Variant type: single nucleotide variant.
Coding change: c.1256C>T on transcript NM_006009.4 (MANE Select); coding-DNA position 1256, C replaced by T.
Protein change: p.Ser419Leu; replaces serine 419 with leucine.
Molecular consequence: missense variant.
Genome position (GRCh38, 1-based): chr12:49,185,110, G>A on the plus strand (C>T on the coding strand, the complement: TUBA1A is on the minus strand). VCF-style: chr12-49185110-G-A. GRCh37 (hg19) VCF-style: chr12-49578893-G-A.
Other names: c.1256C>T, p.Ser419Leu (NM_001270399.2); c.1151C>T, p.Ser384Leu (NM_001270400.2); short protein forms S419L, S384L.
Identifiers: ClinVar variation 7074 (VCV000007074.41), dbSNP rs137853047, ClinGen allele CA213160.